The following is an entry in ClinVar:

ClinVar aggregate classification (germline): Uncertain significance (1 of 4 stars; one submission).

Conditions:
Ataxia-telangiectasia syndrome (AT). Also called: AT, COMPLEMENTATION GROUP C; Ataxia telangiectasia (A-T); Cerebello-oculocutaneous telangiectasia; Immunodeficiency with ataxia telangiectasia; LOUIS-BAR SYNDROME; Ataxia-telangiectasia. Identifiers: Orphanet 100, MedGen C0004135, MONDO:0008840, OMIM 208900.

Submission:

Labcorp Genetics (formerly Invitae), Labcorp
Classification: Uncertain significance for Ataxia-telangiectasia syndrome. Last evaluated: 2019-08-28. Review status: criteria provided, single submitter. Criteria: Invitae Variant Classification Sherloc (09022015). Collection method: clinical testing. Allele origin: germline.
Comment: In summary, the available evidence is currently insufficient to determine the role of this variant in disease. Therefore, it has been classified as a Variant of Uncertain Significance. Algorithms developed to predict the effect of sequence changes on RNA splicing suggest that this variant may disrupt the consensus splice site, but this prediction has not been confirmed by published transcriptional studies. Algorithms developed to predict the effect of missense changes on protein structure and function (SIFT, PolyPhen-2, Align-GVGD) all suggest that this variant is likely to be tolerated, but these predictions have not been confirmed by published functional studies and their clinical significance is uncertain. This variant has not been reported in the literature in individuals with ATM-related conditions. This variant is not present in population databases (ExAC no frequency). This sequence change replaces glutamine with arginine at codon 1537 of the ATM protein (p.Gln1537Arg). The glutamine residue is moderately conserved and there is a small physicochemical difference between glutamine and arginine.

NM_000051.4(ATM):c.4610A>G (p.Gln1537Arg)

Gene: ATM (ATM serine/threonine kinase; plus strand). Cytogenetic location: 11q22.3.
Variant type: single nucleotide variant.
Coding change: c.4610A>G on transcript NM_000051.4 (MANE Select); coding-DNA position 4610, A replaced by G.
Protein change: p.Gln1537Arg; replaces glutamine 1537 with arginine.
Molecular consequence: missense variant.
Genome position (GRCh38, 1-based): chr11:108,292,792, A>G. VCF-style: chr11-108292792-A-G. GRCh37 (hg19) VCF-style: chr11-108163519-A-G.
Other names: c.4610A>G, p.Gln1537Arg (NM_001351834.2); short protein forms Q1537R.
Identifiers: ClinVar variation 963428 (VCV000963428.9), dbSNP rs1064794041, ClinGen allele CA382534102.